The following is an entry in ClinVar:

ClinVar aggregate classification (germline): Uncertain significance. Review status: criteria provided, multiple submitters, no conflicts (2 of 4 stars). 4 submissions from 4 submitters: Uncertain significance (4). Last evaluated 2025-12-08.

Conditions:
Autosomal recessive limb-girdle muscular dystrophy type 2Y (MRRSDC). Also called: Muscular dystrophy, autosomal recessive, with rigid spine and distal joint contractures; Muscular dystrophy, limb-girdle, type 2y. Identifiers: Orphanet 424261, MedGen C4511482, MONDO:0014900, OMIM 617072.
Inborn genetic diseases. Identifiers: MedGen C0950123, MeSH D030342.

Allele frequency attached by ClinVar (database versions not stated): gnomAD below 0.00001 and 0.00005; TOPMed 0.00001; gnomAD exomes 0.00005 and 0.00009; ExAC 0.00009; 1000 Genomes Project 30x 0.00016; 1000 Genomes Project 0.00020.
gnomAD v4.1: 79 of 1,613,802 alleles (0.0049%); highest among the groups gnomAD compares: South Asian, 0.071%; no homozygotes.

Submissions (4):

Ambry Genetics
Classification: Uncertain significance for Inborn genetic diseases. Last evaluated: 2025-12-08. Review status: criteria provided, single submitter. Criteria: Ambry Variant Classification Scheme 2023. Collection method: clinical testing. Allele origin: germline.

GeneDx
Classification: Uncertain significance. Last evaluated: 2025-08-13. Review status: criteria provided, single submitter. Criteria: GeneDx Variant Classification Process June 2021. Collection method: clinical testing. Allele origin: germline. Affected: yes.
Comment: In silico analysis supports that this missense variant has a deleterious effect on protein structure/function; Has not been previously published as pathogenic or benign to our knowledge

Revvity Omics, Revvity
Classification: Uncertain significance. Last evaluated: 2023-10-20. Review status: criteria provided, single submitter. Criteria: ACMG Guidelines, 2015. Collection method: clinical testing. Allele origin: germline.

Labcorp Genetics (formerly Invitae), Labcorp
Classification: Uncertain significance for Autosomal recessive limb-girdle muscular dystrophy type 2Y. Last evaluated: 2021-09-01. Review status: criteria provided, single submitter. Criteria: Invitae Variant Classification Sherloc (09022015). Collection method: clinical testing. Allele origin: germline.
Comment: This sequence change replaces asparagine with serine at codon 551 of the TOR1AIP1 protein (p.Asn551Ser). The asparagine residue is moderately conserved and there is a small physicochemical difference between asparagine and serine. This variant is present in population databases (rs567959058, ExAC 0.07%). This variant has not been reported in the literature in individuals affected with TOR1AIP1-related conditions. Algorithms developed to predict the effect of missense changes on protein structure and function (SIFT, PolyPhen-2, Align-GVGD) all suggest that this variant is likely to be tolerated. Algorithms developed to predict the effect of sequence changes on RNA splicing suggest that this variant may create or strengthen a splice site. In summary, the available evidence is currently insufficient to determine the role of this variant in disease. Therefore, it has been classified as a Variant of Uncertain Significance.

NM_015602.4(TOR1AIP1):c.1649A>G (p.Asn550Ser)

Gene: TOR1AIP1 (torsin 1A interacting protein 1; plus strand). Cytogenetic location: 1q25.2.
Variant type: single nucleotide variant.
Coding change: c.1649A>G on transcript NM_015602.4 (MANE Select); coding-DNA position 1649, A replaced by G.
Protein change: p.Asn550Ser; replaces asparagine 550 with serine.
Molecular consequence: missense variant.
Genome position (GRCh38, 1-based): chr1:179,918,136, A>G. VCF-style: chr1-179918136-A-G. GRCh37 (hg19) VCF-style: chr1-179887271-A-G.
Other names: c.1649A>G (NM_015602.2); c.1652A>G, p.Asn551Ser (NM_001267578.2); short protein forms N550S, N551S.
Identifiers: ClinVar variation 947979 (VCV000947979.10), dbSNP rs567959058, ClinGen allele CA1269173.
Genomic context (GRCh38, chr1:179,918,136, plus strand): 5'-AAAAAGTAAGAGATTTTCTTAAAGTCAAGTTCACCAATTCTAACACACCCAACTCCTACA[A>G]TCATATGGACCCAGACAAACTGAATGGCCTCTGGAGCCGTATTTCTCACTTAGTTCTGCC-3'
Protein context (NP_056417.2, residues 540-560): FTNSNTPNSY[Asn550Ser]HMDPDKLNGL